The following is an entry in ClinVar:

NM_002016.2(FLG):c.7387C>G (p.His2463Asp)

Genes: CCDST (cervical cancer associated DHX9 suppressive transcript; plus strand), FLG (filaggrin; minus strand). Cytogenetic location: 1q21.3.
Variant type: single nucleotide variant.
Coding change: c.7387C>G on transcript NM_002016.2 (MANE Select); coding-DNA position 7387, C replaced by G.
Protein change: p.His2463Asp; replaces histidine 2463 with aspartic acid.
Molecular consequence: missense variant.
Genome position (GRCh38, 1-based): chr1:152,307,499, G>C on the plus strand (C>G on the coding strand, the complement: FLG is on the minus strand). VCF-style: chr1-152307499-G-C. GRCh37 (hg19) VCF-style: chr1-152279975-G-C.
Other names: short protein forms H2463D.
Identifiers: ClinVar variation 1194040 (VCV001194040.27), dbSNP rs113188294, ClinGen allele CA1104755.

ClinVar aggregate classification (germline): Benign/Likely benign. Review status: criteria provided, multiple submitters, no conflicts (2 of 4 stars). 3 submissions from 3 submitters: Benign (1); Likely benign (2). Last evaluated 2026-03-01.

Allele frequency attached by ClinVar (database versions not stated): 1000 Genomes Project 30x 0.00390; 1000 Genomes Project 0.00399; TOPMed 0.00600; gnomAD 0.00625 and 0.00648; ESP Exome Variant Server 0.00638; gnomAD exomes 0.00807; ExAC 0.00848.

Submissions (3):

CeGaT Center for Human Genetics Tuebingen
Classification: Benign. Last evaluated: 2026-03-01. Review status: criteria provided, single submitter. Criteria: CeGaT Center For Human Genetics Tuebingen Variant Classification Criteria Version 2. Collection method: clinical testing. Allele origin: germline. Affected: yes. Observed: 7 variant alleles.
Comment: FLG: BP4, BS1, BS2

GeneDx
Classification: Likely benign. Last evaluated: 2018-07-09. Review status: criteria provided, single submitter. Criteria: GeneDx Variant Classification Process June 2021. Collection method: clinical testing. Allele origin: germline. Affected: yes.

Breakthrough Genomics
Classification: Likely benign. Review status: criteria provided, single submitter. Criteria: ACMG Guidelines, 2015. Collection method: not provided. Allele origin: germline. Inheritance: Autosomal dominant inheritance. Affected: yes.